The following is an entry in ClinVar:

NM_017534.6(MYH2):c.1234G>A (p.Glu412Lys)

Genes: MYH2 (myosin heavy chain 2; minus strand), MYHAS (myosin heavy chain gene cluster antisense RNA; plus strand). Cytogenetic location: 17p13.1.
Variant type: single nucleotide variant.
Coding change: c.1234G>A on transcript NM_017534.6 (MANE Select); coding-DNA position 1234, G replaced by A.
Protein change: p.Glu412Lys; replaces glutamic acid 412 with lysine.
Molecular consequence: missense variant.
Genome position (GRCh38, 1-based): chr17:10,539,476, C>T on the plus strand (G>A on the coding strand, the complement: MYH2 is on the minus strand). VCF-style: chr17-10539476-C-T. GRCh37 (hg19) VCF-style: chr17-10442793-C-T.
Other names: c.1234G>A, p.Glu412Lys (NM_001100112.2); short protein forms E412K.
Identifiers: ClinVar variation 4774701 (VCV004774701.1).

ClinVar aggregate classification (germline): Uncertain significance (1 of 4 stars; one submission).

Conditions:
Myopathy, proximal, and ophthalmoplegia (CMYO6). Also called: CONGENITAL MYOPATHY 6 WITH OPHTHALMOPLEGIA; MYOPATHY WITH CONGENITAL JOINT CONTRACTURES, OPHTHALMOPLEGIA, AND RIMMED VACUOLES; INCLUSION BODY MYOPATHY 3, AUTOSOMAL DOMINANT. Identifiers: Orphanet 363677, Orphanet 79091, MedGen C1854106, MONDO:0011577, OMIM 605637.

Submission:

Labcorp Genetics (formerly Invitae), Labcorp
Classification: Uncertain significance for Myopathy, proximal, and ophthalmoplegia. Last evaluated: 2025-08-11. Review status: criteria provided, single submitter. Criteria: Invitae Variant Classification Sherloc (09022015). Collection method: clinical testing. Allele origin: germline.
Comment: This sequence change replaces glutamic acid, which is acidic and polar, with lysine, which is basic and polar, at codon 412 of the MYH2 protein (p.Glu412Lys). This variant is not present in population databases (gnomAD no frequency). This variant has not been reported in the literature in individuals affected with MYH2-related conditions. Invitae Evidence Modeling of protein sequence and biophysical properties (such as structural, functional, and spatial information, amino acid conservation, physicochemical variation, residue mobility, and thermodynamic stability) indicates that this missense variant is expected to disrupt MYH2 protein function with a positive predictive value of 80%. In summary, the available evidence is currently insufficient to determine the role of this variant in disease. Therefore, it has been classified as a Variant of Uncertain Significance.